The following is an entry in ClinVar:

ClinVar aggregate classification (germline): Benign (1 of 4 stars; one submission).

Conditions:
Fibrous dysplasia of jaw (CRBM). Also called: Cherubism. Identifiers: Orphanet 184, MedGen C0008029, MONDO:0007315, OMIM 118400.

Allele frequency attached by ClinVar (database versions not stated): gnomAD 0.00632 and 0.00642; TOPMed 0.00647; 1000 Genomes Project 0.01518.

Submission:

Illumina Laboratory Services, Illumina
Classification: Benign for Fibrous dysplasia of jaw. Last evaluated: 2018-01-12. Review status: criteria provided, single submitter. Criteria: ICSL Variant Classification Criteria 13 December 2019. Collection method: clinical testing. Allele origin: germline.
Comment: This variant was observed in the ICSL laboratory as part of a predisposition screen in an ostensibly healthy population. It had not been previously curated by ICSL or reported in the Human Gene Mutation Database (HGMD: prior to June 1st, 2018), and was therefore a candidate for classification through an automated scoring system. Utilizing variant allele frequency, disease prevalence and penetrance estimates, and inheritance mode, an automated score was calculated to assess if this variant is too frequent to cause the disease. Based on the score and internal cut-off values, a variant classified as benign is not then subjected to further curation. The score for this variant resulted in a classification of benign for this disease.

NM_001122681.2(SH3BP2):c.*5747T>G

Gene: SH3BP2 (SH3 domain binding protein 2; plus strand). Cytogenetic location: 4p16.3.
Variant type: single nucleotide variant.
Coding change: c.*5747T>G on transcript NM_001122681.2 (MANE Select); 5747 bases downstream of the stop codon, T replaced by G.
Molecular consequence: 3 prime UTR variant.
Genome position (GRCh38, 1-based): chr4:2,839,581, T>G. VCF-style: chr4-2839581-T-G. GRCh37 (hg19) VCF-style: chr4-2841308-T-G.
Other names: c.*5747T>G (LRG_1334t2, LRG_1334t1, NM_001145855.2 and 2 more transcripts).
Identifiers: ClinVar variation 348692 (VCV000348692.5), dbSNP rs150474347, ClinGen allele CA10620952.